The following is an entry in ClinVar:

NM_004655.4(AXIN2):c.463A>C (p.Thr155Pro)

Gene: AXIN2 (axin 2; minus strand). Cytogenetic location: 17q24.1.
Variant type: single nucleotide variant.
Coding change: c.463A>C on transcript NM_004655.4 (MANE Select); coding-DNA position 463, A replaced by C.
Protein change: p.Thr155Pro; replaces threonine 155 with proline.
Molecular consequence: missense variant.
Genome position (GRCh38, 1-based): chr17:65,558,158, T>G on the plus strand (A>C on the coding strand, the complement: AXIN2 is on the minus strand). VCF-style: chr17-65558158-T-G. GRCh37 (hg19) VCF-style: chr17-63554276-T-G.
Other names: c.463A>C, p.Thr155Pro (NM_001363813.1); short protein forms T155P.
Identifiers: ClinVar variation 5032628 (VCV005032628.1).

ClinVar aggregate classification (germline): Uncertain significance (1 of 4 stars; one submission).

Conditions:
Hereditary cancer-predisposing syndrome. Also called: Neoplastic Syndromes, Hereditary; Tumor predisposition; Hereditary neoplastic syndrome; Hereditary Cancer Syndrome. Identifiers: Orphanet 140162, MedGen C0027672, MeSH D009386, MONDO:0015356.

Submission:

Ambry Genetics
Classification: Uncertain significance for Hereditary cancer-predisposing syndrome. Last evaluated: 2026-07-07. Review status: criteria provided, single submitter. Criteria: Ambry Variant Classification Scheme 2023. Collection method: clinical testing. Allele origin: germline.
Comment: The p.T155P variant (also known as c.463A>C), located in coding exon 1 of the AXIN2 gene, results from an A to C substitution at nucleotide position 463. The threonine at codon 155 is replaced by proline, an amino acid with highly similar properties. This amino acid position is conserved. In addition, the in silico prediction for this alteration is inconclusive. Based on the available evidence, the clinical significance of this variant remains unclear.